The following is an entry in ClinVar:

ClinVar aggregate classification (germline): Uncertain significance. Review status: criteria provided, multiple submitters, no conflicts (2 of 4 stars). 2 submissions from 2 submitters: Uncertain significance (2). Last evaluated 2025-04-08.

Conditions:
Inborn genetic diseases. Identifiers: MedGen C0950123, MeSH D030342.

gnomAD v4.1: 2 of 1,614,086 alleles (0.00012%); highest among the groups gnomAD compares: African/African-American, 0.0013%; no homozygotes.

Submissions (2):

Ambry Genetics
Classification: Uncertain significance for Inborn genetic diseases. Last evaluated: 2025-04-08. Review status: criteria provided, single submitter. Criteria: Ambry Variant Classification Scheme 2023. Collection method: clinical testing. Allele origin: germline.

Labcorp Genetics (formerly Invitae), Labcorp
Classification: Uncertain significance. Last evaluated: 2024-10-17. Review status: criteria provided, single submitter. Criteria: Invitae Variant Classification Sherloc (09022015). Collection method: clinical testing. Allele origin: germline.
Comment: This sequence change replaces arginine, which is basic and polar, with glycine, which is neutral and non-polar, at codon 1492 of the DUOX2 protein (p.Arg1492Gly). This variant is present in population databases (rs747720952, gnomAD 0.0009%). This variant has not been reported in the literature in individuals affected with DUOX2-related conditions. Invitae Evidence Modeling of protein sequence and biophysical properties (such as structural, functional, and spatial information, amino acid conservation, physicochemical variation, residue mobility, and thermodynamic stability) indicates that this missense variant is expected to disrupt DUOX2 protein function with a positive predictive value of 95%. In summary, the available evidence is currently insufficient to determine the role of this variant in disease. Therefore, it has been classified as a Variant of Uncertain Significance.

NM_001363711.2(DUOX2):c.4474C>G (p.Arg1492Gly)

Gene: DUOX2 (dual oxidase 2; minus strand). Cytogenetic location: 15q21.1.
Variant type: single nucleotide variant.
Coding change: c.4474C>G on transcript NM_001363711.2 (MANE Select); coding-DNA position 4474, C replaced by G.
Protein change: p.Arg1492Gly; replaces arginine 1492 with glycine.
Molecular consequence: missense variant.
Genome position (GRCh38, 1-based): chr15:45,094,613, G>C on the plus strand (C>G on the coding strand, the complement: DUOX2 is on the minus strand). VCF-style: chr15-45094613-G-C. GRCh37 (hg19) VCF-style: chr15-45386811-G-C.
Other names: c.4474C>G, p.Arg1492Gly (NM_014080.5); c.4474C>G (NM_014080.4); short protein forms R1492G.
Identifiers: ClinVar variation 3648349 (VCV003648349.3).